The following is an entry in ClinVar:

NM_001039753.4(EML6):c.4839C>T (p.Gly1613=)

Gene: EML6 (EMAP like 6; plus strand). Cytogenetic location: 2p16.1.
Variant type: single nucleotide variant.
Coding change: c.4839C>T on transcript NM_001039753.4 (MANE Select); coding-DNA position 4839, C replaced by T.
Protein change: p.Gly1613=; no amino-acid change (glycine 1613 retained).
Molecular consequence: synonymous variant.
Genome position (GRCh38, 1-based): chr2:54,959,247, C>T. VCF-style: chr2-54959247-C-T. GRCh37 (hg19) VCF-style: chr2-55186384-C-T.
Identifiers: ClinVar variation 2650940 (VCV002650940.24), dbSNP rs182241171, ClinGen allele CA1662645.

ClinVar aggregate classification (germline): Likely benign (1 of 4 stars; one submission).

Allele frequency attached by ClinVar (database versions not stated): ExAC 0.00081; 1000 Genomes Project 0.00120; ESP Exome Variant Server 0.00131; 1000 Genomes Project 30x 0.00156; gnomAD 0.00199; TOPMed 0.00227.
gnomAD v4.1: 654 of 1,534,922 alleles (0.043%); highest among the groups gnomAD compares: African/African-American, 0.68%; 1 homozygote.

Submission:

CeGaT Center for Human Genetics Tuebingen
Classification: Likely benign. Last evaluated: 2023-03-01. Review status: criteria provided, single submitter. Criteria: CeGaT Center For Human Genetics Tuebingen Variant Classification Criteria Version 2. Collection method: clinical testing. Allele origin: germline. Affected: yes. Observed: 1 variant allele.
Comment: EML6: BP4, BP7